The following is an entry in ClinVar:

ClinVar aggregate classification (germline): Uncertain significance (1 of 4 stars; one submission).

Submission:

Ambry Genetics
Classification: Uncertain significance. Last evaluated: 2025-04-13. Review status: criteria provided, single submitter. Criteria: Ambry Variant Classification Scheme 2023. Collection method: clinical testing. Allele origin: germline.
Comment: The p.G1026D variant (also known as c.3077G>A), located in coding exon 12 of the WNK2 gene, results from a G to A substitution at nucleotide position 3077. The glycine at codon 1026 is replaced by aspartic acid, an amino acid with similar properties. This amino acid position is conserved. In addition, the in silico prediction for this alteration is inconclusive. Based on the available evidence, the clinical significance of this variant remains unclear.

NM_006648.4(WNK2):c.3077G>A (p.Gly1026Asp)

Gene: WNK2 (WNK lysine deficient protein kinase 2; plus strand). Cytogenetic location: 9q22.31.
Variant type: single nucleotide variant.
Coding change: c.3077G>A on transcript NM_006648.4 (MANE Select); coding-DNA position 3077, G replaced by A.
Protein change: p.Gly1026Asp; replaces glycine 1026 with aspartic acid.
Molecular consequence: missense variant.
Genome position (GRCh38, 1-based): chr9:93,261,824, G>A. VCF-style: chr9-93261824-G-A. GRCh37 (hg19) VCF-style: chr9-96024106-G-A.
Other names: c.3077G>A, p.Gly1026Asp (NM_001282394.3); short protein forms G1026D.
Identifiers: ClinVar variation 3981876 (VCV003981876.1).